The following is an entry in ClinVar:

ClinVar aggregate classification (germline): Uncertain significance (1 of 4 stars; one submission).

Conditions:
Familial thoracic aortic aneurysm and aortic dissection (TAAD). Also called: Thoracic aortic aneurysms and dissections. Identifiers: Orphanet 91387, MedGen C4707243, MONDO:0019625.

gnomAD v4.1: 1 of 1,614,150 alleles (0.000062%); highest among the groups gnomAD compares: East Asian, 0.0022%; no homozygotes.

Submission:

Ambry Genetics
Classification: Uncertain significance for Familial thoracic aortic aneurysm and aortic dissection. Last evaluated: 2025-02-01. Review status: criteria provided, single submitter. Criteria: Ambry Variant Classification Scheme 2023. Collection method: clinical testing. Allele origin: germline.
Comment: The p.A227T variant (also known as c.679G>A), located in coding exon 5 of the MYH11 gene, results from a G to A substitution at nucleotide position 679. The alanine at codon 227 is replaced by threonine, an amino acid with similar properties. This amino acid position is conserved. In addition, this alteration is predicted to be deleterious by in silico analysis. Based on the available evidence, the clinical significance of this variant remains unclear.

NM_002474.3(MYH11):c.679G>A (p.Ala227Thr)

Gene: MYH11 (myosin heavy chain 11; minus strand). Cytogenetic location: 16p13.11.
Variant type: single nucleotide variant.
Coding change: c.679G>A on transcript NM_002474.3 (MANE Select); coding-DNA position 679, G replaced by A.
Protein change: p.Ala227Thr; replaces alanine 227 with threonine.
Molecular consequence: missense variant.
Genome position (GRCh38, 1-based): chr16:15,782,432, C>T on the plus strand (G>A on the coding strand, the complement: MYH11 is on the minus strand). VCF-style: chr16-15782432-C-T. GRCh37 (hg19) VCF-style: chr16-15876289-C-T.
Other names: c.700G>A, p.Ala234Thr (NM_001040113.2, NM_001040114.2); c.679G>A, p.Ala227Thr (NM_022844.3); short protein forms A227T, A234T.
Identifiers: ClinVar variation 3876297 (VCV003876297.1).